The following is an entry in ClinVar:

ClinVar aggregate classification (germline): Uncertain significance (1 of 4 stars; one submission).

Submission:

Ambry Genetics
Classification: Uncertain significance. Last evaluated: 2026-06-13. Review status: criteria provided, single submitter. Criteria: Ambry Variant Classification Scheme 2023. Collection method: clinical testing. Allele origin: germline.
Comment: The p.C321F variant (also known as c.962G>T), located in coding exon 8 of the RECQL gene, results from a G to T substitution at nucleotide position 962. The cysteine at codon 321 is replaced by phenylalanine, an amino acid with highly dissimilar properties. This amino acid position is conserved. In addition, this alteration is predicted to be deleterious by in silico analysis. Based on the available evidence, the clinical significance of this variant remains unclear.

NM_002907.4(RECQL):c.962G>T (p.Cys321Phe)

Gene: RECQL (RecQ like helicase; minus strand). Cytogenetic location: 12p12.1.
Variant type: single nucleotide variant.
Coding change: c.962G>T on transcript NM_002907.4 (MANE Select); coding-DNA position 962, G replaced by T.
Protein change: p.Cys321Phe; replaces cysteine 321 with phenylalanine.
Molecular consequence: missense variant.
Genome position (GRCh38, 1-based): chr12:21,475,812, C>A on the plus strand (G>T on the coding strand, the complement: RECQL is on the minus strand). VCF-style: chr12-21475812-C-A. GRCh37 (hg19) VCF-style: chr12-21628746-C-A.
Other names: c.962G>T, p.Cys321Phe (NM_032941.3); short protein forms C321F.
Identifiers: ClinVar variation 4863137 (VCV004863137.1).